The following is an entry in ClinVar:

ClinVar aggregate classification (germline): Uncertain significance. Review status: criteria provided, multiple submitters, no conflicts (2 of 4 stars). 2 submissions from 2 submitters: Uncertain significance (2). Last evaluated 2024-09-26.

Allele frequency attached by ClinVar (database versions not stated): TOPMed below 0.00001; ExAC 0.00002; gnomAD 0.00003.

Submissions (2):

Ambry Genetics
Classification: Uncertain significance. Last evaluated: 2024-09-26. Review status: criteria provided, single submitter. Criteria: Ambry Variant Classification Scheme 2023. Collection method: clinical testing. Allele origin: germline.

Labcorp Genetics (formerly Invitae), Labcorp
Classification: Uncertain significance. Last evaluated: 2023-09-04. Review status: criteria provided, single submitter. Criteria: Invitae Variant Classification Sherloc (09022015). Collection method: clinical testing. Allele origin: germline.
Comment: The frequency data for this variant in the population databases is considered unreliable, as metrics indicate poor data quality at this position in the gnomAD database. This variant has not been reported in the literature in individuals affected with GABRB1-related conditions. Advanced modeling of protein sequence and biophysical properties (such as structural, functional, and spatial information, amino acid conservation, physicochemical variation, residue mobility, and thermodynamic stability) performed at Invitae indicates that this missense variant is not expected to disrupt GABRB1 protein function. In summary, the available evidence is currently insufficient to determine the role of this variant in disease. Therefore, it has been classified as a Variant of Uncertain Significance. This sequence change replaces proline, which is neutral and non-polar, with serine, which is neutral and polar, at codon 407 of the GABRB1 protein (p.Pro407Ser).

NM_000812.4(GABRB1):c.1219C>T (p.Pro407Ser)

Gene: GABRB1 (gamma-aminobutyric acid type A receptor subunit beta1; plus strand). Cytogenetic location: 4p12.
Variant type: single nucleotide variant.
Coding change: c.1219C>T on transcript NM_000812.4 (MANE Select); coding-DNA position 1219, C replaced by T.
Protein change: p.Pro407Ser; replaces proline 407 with serine.
Molecular consequence: missense variant.
Genome position (GRCh38, 1-based): chr4:47,425,812, C>T. VCF-style: chr4-47425812-C-T. GRCh37 (hg19) VCF-style: chr4-47427829-C-T.
Other names: c.1219C>T (NM_000812.3); short protein forms P407S.
Identifiers: ClinVar variation 2993465 (VCV002993465.4), dbSNP rs772931787, ClinGen allele CA2907779.